The following is an entry in ClinVar:

NM_006767.4(LZTR1):c.2467T>C (p.Ser823Pro)

Gene: LZTR1 (leucine zipper like post translational regulator 1; plus strand). Cytogenetic location: 22q11.21.
Variant type: single nucleotide variant.
Coding change: c.2467T>C on transcript NM_006767.4 (MANE Select); coding-DNA position 2467, T replaced by C.
Protein change: p.Ser823Pro; replaces serine 823 with proline.
Molecular consequence: missense variant.
Genome position (GRCh38, 1-based): chr22:20,997,292, T>C. VCF-style: chr22-20997292-T-C. GRCh37 (hg19) VCF-style: chr22-21351581-T-C.
Other names: short protein forms S823P.
Identifiers: ClinVar variation 1791711 (VCV001791711.7), dbSNP rs2518626786, ClinGen allele CA410781747.

ClinVar aggregate classification (germline): Uncertain significance. Review status: criteria provided, multiple submitters, no conflicts (2 of 4 stars). 2 submissions from 2 submitters: Uncertain significance (2). Last evaluated 2022-10-26.

Conditions:
Hereditary cancer-predisposing syndrome. Also called: Hereditary Cancer Syndrome; Hereditary neoplastic syndrome; Tumor predisposition; Neoplastic Syndromes, Hereditary. Identifiers: Orphanet 140162, MedGen C0027672, MeSH D009386, MONDO:0015356.
Cardiovascular phenotype. Identifiers: MedGen CN230736.

Submissions (2):

Labcorp Genetics (formerly Invitae), Labcorp
Classification: Uncertain significance. Last evaluated: 2022-10-26. Review status: criteria provided, single submitter. Criteria: Invitae Variant Classification Sherloc (09022015). Collection method: clinical testing. Allele origin: germline.
Comment: This sequence change replaces serine, which is neutral and polar, with proline, which is neutral and non-polar, at codon 823 of the LZTR1 protein (p.Ser823Pro). This variant is not present in population databases (gnomAD no frequency). This variant has not been reported in the literature in individuals affected with LZTR1-related conditions. Advanced modeling of protein sequence and biophysical properties (such as structural, functional, and spatial information, amino acid conservation, physicochemical variation, residue mobility, and thermodynamic stability) performed at Invitae indicates that this missense variant is not expected to disrupt LZTR1 protein function. In summary, the available evidence is currently insufficient to determine the role of this variant in disease. Therefore, it has been classified as a Variant of Uncertain Significance.

Ambry Genetics
Classification: Uncertain significance for Cardiovascular phenotype; Hereditary cancer-predisposing syndrome. Last evaluated: 2022-08-11. Review status: criteria provided, single submitter. Criteria: Ambry Variant Classification Scheme 2023. Collection method: clinical testing. Allele origin: germline.
Comment: The p.S823P variant (also known as c.2467T>C), located in coding exon 21 of the LZTR1 gene, results from a T to C substitution at nucleotide position 2467. The serine at codon 823 is replaced by proline, an amino acid with similar properties. This amino acid position is conserved. In addition, the in silico prediction for this alteration is inconclusive. Since supporting evidence is limited at this time, the clinical significance of this alteration remains unclear.